The following is an entry in ClinVar:

NM_014423.4(AFF4):c.2243A>T (p.His748Leu)

Gene: AFF4 (ALF transcription elongation factor 4; minus strand). Cytogenetic location: 5q31.1.
Variant type: single nucleotide variant.
Coding change: c.2243A>T on transcript NM_014423.4 (MANE Select); coding-DNA position 2243, A replaced by T.
Protein change: p.His748Leu; replaces histidine 748 with leucine.
Molecular consequence: missense variant.
Genome position (GRCh38, 1-based): chr5:132,896,387, T>A on the plus strand (A>T on the coding strand, the complement: AFF4 is on the minus strand). VCF-style: chr5-132896387-T-A. GRCh37 (hg19) VCF-style: chr5-132232079-T-A.
Other names: short protein forms H748L.
Identifiers: ClinVar variation 1027866 (VCV001027866.1), dbSNP rs1760397242, ClinGen allele CA360933003.

ClinVar aggregate classification (germline): Uncertain significance (1 of 4 stars; one submission).

Conditions:
Cognitive impairment - coarse facies - heart defects - obesity - pulmonary involvement - short stature - skeletal dysplasia syndrome. Also called: AFF4-Related CHOPS Syndrome; COGNITIVE IMPAIRMENT, COARSE FACIES, HEART DEFECTS, OBESITY, PULMONARY INVOLVEMENT, SHORT STATURE, AND SKELETAL DYSPLASIA; Chops syndrome. Identifiers: Orphanet 444077, MedGen C4085597, MONDO:0014609, OMIM 616368.

gnomAD v4.1: 1 of 1,613,680 alleles (0.000062%); highest among the groups gnomAD compares: Non-Finnish European, 0.000085%; no homozygotes.

Submission:

Baylor Genetics
Classification: Uncertain significance for Cognitive impairment - coarse facies - heart defects - obesity - pulmonary involvement - short stature - skeletal dysplasia syndrome. Last evaluated: 2019-06-05. Review status: criteria provided, single submitter. Criteria: ACMG Guidelines, 2015. Collection method: clinical testing. Allele origin: unknown. Affected: yes.
Comment: This variant was determined to be of uncertain significance according to ACMG Guidelines, 2015 [PMID:25741868].